The following is an entry in ClinVar:

ClinVar aggregate classification (germline): Likely benign. Review status: criteria provided, multiple submitters, no conflicts (2 of 4 stars). 3 submissions from 3 submitters: Likely benign (3). Last evaluated 2025-04-24.

Conditions:
FAH-related disorder. Also called: FAH-related condition.
Tyrosinemia type I (TYRSN1). Also called: HEPATORENAL TYROSINEMIA; Tyrosinemia type 1; Fumarylacetoacetase deficiency; Deficiency of fumarylacetoacetase; FAH DEFICIENCY. Identifiers: Orphanet 882, MedGen C0268490, MONDO:0010161, OMIM 276700. Disease mechanism: loss of function.

Allele frequency attached by ClinVar (database versions not stated): gnomAD 0.00001; gnomAD exomes 0.00002 and 0.00004; TOPMed 0.00004; ExAC 0.00005.
gnomAD v4.1: 27 of 1,612,994 alleles (0.0017%); highest among the groups gnomAD compares: Admixed American, 0.005%; no homozygotes.

Submissions (3):

PreventionGenetics, part of Exact Sciences
Classification: Likely benign for FAH-related condition. Last evaluated: 2025-04-24. Review status: criteria provided, single submitter. Criteria: ACMG Guidelines, 2015. Collection method: clinical testing. Allele origin: germline.
Comment: This variant is classified as likely benign based on ACMG/AMP sequence variant interpretation guidelines (Richards et al. 2015 PMID: 25741868, with internal and published modifications).

Labcorp Genetics (formerly Invitae), Labcorp
Classification: Likely benign for Tyrosinemia type I. Last evaluated: 2025-03-27. Review status: criteria provided, single submitter. Criteria: Invitae Variant Classification Sherloc (09022015). Collection method: clinical testing. Allele origin: germline.

Blueprint Genetics
Classification: Likely benign. Last evaluated: 2024-04-29. Review status: criteria provided, single submitter. Criteria: ACMG Guidelines, 2015. Collection method: clinical testing. Allele origin: germline.

NM_000137.4(FAH):c.1158C>T (p.Asp386=)

Gene: FAH (fumarylacetoacetate hydrolase; plus strand). Cytogenetic location: 15q25.1.
Variant type: single nucleotide variant.
Coding change: c.1158C>T on transcript NM_000137.4 (MANE Select); coding-DNA position 1158, C replaced by T.
Protein change: p.Asp386=; no amino-acid change (aspartic acid 386 retained).
Molecular consequence: synonymous variant.
Genome position (GRCh38, 1-based): chr15:80,181,137, C>T. VCF-style: chr15-80181137-C-T. GRCh37 (hg19) VCF-style: chr15-80473479-C-T.
Other names: c.1158C>T, p.Asp386= (NM_001374377.1, NM_001374380.1).
Identifiers: ClinVar variation 743846 (VCV000743846.12), dbSNP rs767824538, ClinGen allele CA7691499.
Genomic context (GRCh38, chr15:80,181,137, plus strand): 5'-GTGGAAGGGAACGAAGCCCATAGACCTGGGGAATGGTCAGACCAGGAAGTTTCTGCTGGA[C>T]GGGGATGAAGTCATCATAACAGGTGAGGGCTGCCAAACCCAGCAGCTCGTCTTCCTCCTT-3'
Protein context (NP_000128.1, residues 376-396): GNGQTRKFLL[Asp386=]GDEVIITGYC